The following is an entry in ClinVar:

ClinVar aggregate classification (germline): Pathogenic (1 of 4 stars; one submission).

Conditions:
Fanconi anemia (FA). Also called: Fanconi's anemia. Identifiers: Orphanet 84, MedGen C0015625, MeSH D005199, MONDO:0019391.

Submission:

Labcorp Genetics (formerly Invitae), Labcorp
Classification: Pathogenic for Fanconi anemia. Last evaluated: 2023-08-08. Review status: criteria provided, single submitter. Criteria: Invitae Variant Classification Sherloc (09022015). Collection method: clinical testing. Allele origin: germline.
Comment: For these reasons, this variant has been classified as Pathogenic. This variant has not been reported in the literature in individuals affected with SLX4-related conditions. This variant is not present in population databases (gnomAD no frequency). This sequence change creates a premature translational stop signal (p.Tyr704Trpfs*6) in the SLX4 gene. It is expected to result in an absent or disrupted protein product. Loss-of-function variants in SLX4 are known to be pathogenic (PMID: 21240277).

Literature cited by the submitters: PubMed 21240277.

NM_032444.4(SLX4):c.2039_2105dup (p.Leu703_Tyr704insTrpArgHisGlyGlnTerLeu)

Gene: SLX4 (SLX4 structure-specific endonuclease subunit; minus strand). Cytogenetic location: 16p13.3.
Variant type: Duplication.
Coding change: c.2039_2105dup on transcript NM_032444.4 (MANE Select); coding-DNA positions 2039 to 2105, 67 bases duplicated.
Protein change: p.Leu703_Tyr704insTrpArgHisGlyGlnTerLeu.
Molecular consequence: nonsense, inframe insertion.
Genome position (GRCh38, 1-based): chr16:3,594,508-3,594,574, 67 bases duplicated. GRCh37 (hg19): chr16:3,644,509-3,644,575.
Identifiers: ClinVar variation 2751149 (VCV002751149.3), dbSNP rs2548216361, ClinGen allele CA2697549647.